The following is an entry in ClinVar:

ClinVar aggregate classification (germline): Uncertain significance (0 of 4 stars; one submission).

Conditions:
HNRNPK-related disorder. Also called: HNRNPK-related condition.

Submission:

PreventionGenetics, part of Exact Sciences
Classification: Uncertain significance for HNRNPK-related condition. Last evaluated: 2024-09-21. Review status: no assertion criteria provided. Collection method: clinical testing. Allele origin: germline.
Comment: The HNRNPK c.533T>C variant is predicted to result in the amino acid substitution p.Ile178Thr. To our knowledge, this variant has not been reported in the literature or in a large population database, indicating this variant is rare. Although we suspect that this variant may be pathogenic, at this time, the clinical significance of this variant is uncertain due to the absence of conclusive functional and genetic evidence.

NM_031263.4(HNRNPK):c.533T>C (p.Ile178Thr)

Genes: HNRNPK (heterogeneous nuclear ribonucleoprotein K; minus strand), HNRNPK-AS1 (HNRNPK antisense RNA 1; plus strand). Cytogenetic location: 9q21.32.
Variant type: single nucleotide variant.
Coding change: c.533T>C on transcript NM_031263.4 (MANE Select); coding-DNA position 533, T replaced by C.
Protein change: p.Ile178Thr; replaces isoleucine 178 with threonine.
Molecular consequence: missense variant.
Genome position (GRCh38, 1-based): chr9:83,972,956, A>G on the plus strand (T>C on the coding strand, the complement: HNRNPK is on the minus strand). VCF-style: chr9-83972956-A-G. GRCh37 (hg19) VCF-style: chr9-86587871-A-G.
Other names: c.461T>C, p.Ile154Thr (NM_001318186.2, NM_001318187.2); c.533T>C, p.Ile178Thr (NM_001318188.2, NM_002140.5, NM_031262.4); short protein forms I154T, I178T.
Identifiers: ClinVar variation 3347099 (VCV003347099.1).